The following is an entry in ClinVar:

NM_000047.3(ARSL):c.1386C>T (p.His462=)

Gene: ARSL (arylsulfatase L; minus strand). Cytogenetic location: Xp22.33.
Variant type: single nucleotide variant.
Coding change: c.1386C>T on transcript NM_000047.3 (MANE Select); coding-DNA position 1386, C replaced by T.
Protein change: p.His462=; no amino-acid change (histidine 462 retained).
Molecular consequence: synonymous variant.
Genome position (GRCh38, 1-based): chrX:2,936,767, G>A on the plus strand (C>T on the coding strand, the complement: ARSL is on the minus strand). VCF-style: chrX-2936767-G-A. GRCh37 (hg19) VCF-style: chrX-2854808-G-A.
Other names: c.1461C>T, p.His487= (NM_001282628.2, NM_001369080.1); c.1224C>T, p.His408= (NM_001282631.2); c.1413C>T, p.His471= (NM_001369079.1).
Identifiers: ClinVar variation 772077 (VCV000772077.27), dbSNP rs183018622, ClinGen allele CA10338018.
Genomic context (GRCh38, chrX:2,936,767, plus strand): 5'-CCCTAAGGGTGTTAGGAAGGGGCTCCCCTACTCACTGTCCCGTTGATGCCACCTGGCTGC[G>A]TGCAGAAACCTCTCACAATAATGCATCAGGAACTCGTGGTCTGAGTGTTGGGCTGTCCCC-3'
Protein context (NP_000038.2, residues 452-472): FLMHYCERFL[His462=]AARWHQRDRG

ClinVar aggregate classification (germline): Benign/Likely benign. Review status: criteria provided, multiple submitters, no conflicts (2 of 4 stars). 4 submissions from 4 submitters: Benign (2); Likely benign (1). 1 of the submissions does not count toward it. Last evaluated 2025-08-01.

Conditions:
ARSL-related disorder. Also called: ARSL-related condition.
Chondrodysplasia punctata, brachytelephalangic, autosomal. Also called: BRACHYTELEPHALANGIC CHONDRODYSPLASIA PUNCTATA. Identifiers: MedGen C1844853, MONDO:0011238, OMIM 602497.

Allele frequency attached by ClinVar (database versions not stated): gnomAD 0.00013 and 0.00020; gnomAD exomes 0.00015 and 0.00041; TOPMed 0.00028; ExAC 0.00045; 1000 Genomes Project 30x 0.00125; 1000 Genomes Project 0.00132.
gnomAD v4.1: 191 of 1,209,531 alleles (0.016%); highest among the groups gnomAD compares: East Asian, 0.51%; no homozygotes.

Submissions (4):

CeGaT Center for Human Genetics Tuebingen
Classification: Likely benign. Last evaluated: 2025-08-01. Review status: criteria provided, single submitter. Criteria: CeGaT Center For Human Genetics Tuebingen Variant Classification Criteria Version 2. Collection method: clinical testing. Allele origin: germline. Affected: yes. Observed: 1 variant allele.
Comment: ARSL: BP4, BP7, BS2

Labcorp Genetics (formerly Invitae), Labcorp
Classification: Benign for Chondrodysplasia punctata, brachytelephalangic, autosomal. Last evaluated: 2025-05-25. Review status: criteria provided, single submitter. Criteria: Invitae Variant Classification Sherloc (09022015). Collection method: clinical testing. Allele origin: germline.

ARUP Laboratories, Molecular Genetics and Genomics, ARUP Laboratories
Classification: Benign. Last evaluated: 2020-01-16. Review status: criteria provided, single submitter. Criteria: ARUP Molecular Germline Variant Investigation Process. Collection method: clinical testing. Allele origin: germline.

PreventionGenetics, part of Exact Sciences
Classification: Benign for ARSL-related condition. Last evaluated: 2019-05-24. Review status: no assertion criteria provided. Collection method: clinical testing. Allele origin: germline. Not counted in ClinVar's aggregate classification.
Comment: This variant is classified as benign based on ACMG/AMP sequence variant interpretation guidelines (Richards et al. 2015 PMID: 25741868, with internal and published modifications).